The following is an entry in ClinVar:

ClinVar aggregate classification (germline): Conflicting classifications of pathogenicity. Review status: criteria provided, conflicting classifications (1 of 4 stars). 4 submissions from 4 submitters: Uncertain significance (2); Likely benign (2). Last evaluated 2025-12-11.

Allele frequency attached by ClinVar (database versions not stated): gnomAD 0.00001 and 0.00002; ExAC 0.00002; TOPMed 0.00004.
gnomAD v4.1: 20 of 1,612,800 alleles (0.0012%); highest among the groups gnomAD compares: Admixed American, 0.02%; no homozygotes.

Submissions (4):

Labcorp Genetics (formerly Invitae), Labcorp
Classification: Uncertain significance. Last evaluated: 2025-12-11. Review status: criteria provided, single submitter. Criteria: Invitae Variant Classification Sherloc (09022015). Collection method: clinical testing. Allele origin: germline.
Comment: This sequence change falls in intron 47 of the COL11A2 gene. It does not directly change the encoded amino acid sequence of the COL11A2 protein. It affects a nucleotide within the consensus splice site. This variant is present in population databases (rs753183777, gnomAD 0.03%). This variant has not been reported in the literature in individuals affected with COL11A2-related conditions. ClinVar contains an entry for this variant (Variation ID: 227269). Variants that disrupt the consensus splice site are a relatively common cause of aberrant splicing (PMID: 17576681, 9536098). Algorithms developed to predict the effect of sequence changes on RNA splicing suggest that this variant is not likely to affect RNA splicing. In summary, the available evidence is currently insufficient to determine the role of this variant in disease. Therefore, it has been classified as a Variant of Uncertain Significance.

GeneDx
Classification: Uncertain significance. Last evaluated: 2025-02-05. Review status: criteria provided, single submitter. Criteria: GeneDx Variant Classification Process June 2021. Collection method: clinical testing. Allele origin: germline. Affected: yes.
Comment: In silico analysis indicates that this variant does not alter splicing; Has not been previously published as pathogenic or benign to our knowledge

Blueprint Genetics
Classification: Likely benign. Last evaluated: 2024-09-12. Review status: criteria provided, single submitter. Criteria: ACMG Guidelines, 2015. Collection method: clinical testing. Allele origin: germline.

Laboratory for Molecular Medicine, Mass General Brigham Personalized Medicine
Classification: Likely benign. Last evaluated: 2015-04-30. Review status: criteria provided, single submitter. Criteria: LMM Criteria. Collection method: clinical testing. Allele origin: germline. Observed: 1 variant allele.
Comment: c.3529-3C>T in intron 47 of COL11A2: This variant is not expected to have clinic al significance because it does not cause the splice site sequence to diverge fr om consensus. It has been identified in 2/11204 of Latino chromosomes by the Exo me Aggregation Consortium (ExAC).

Literature cited by the submitters: PubMed 17576681 (cited by Labcorp Genetics (formerly Invitae), Labcorp); PubMed 9536098 (cited by Labcorp Genetics (formerly Invitae), Labcorp).

NM_080680.3(COL11A2):c.3529-3C>T

Gene: COL11A2 (collagen type XI alpha 2 chain; minus strand). Cytogenetic location: 6p21.32.
Variant type: single nucleotide variant.
Coding change: c.3529-3C>T on transcript NM_080680.3 (MANE Select); 3 bases into the intron before coding-DNA position 3529, C replaced by T.
Molecular consequence: intron variant.
Genome position (GRCh38, 1-based): chr6:33,170,382, G>A on the plus strand (C>T on the coding strand, the complement: COL11A2 is on the minus strand). VCF-style: chr6-33170382-G-A. GRCh37 (hg19) VCF-style: chr6-33138159-G-A.
Other names: c.3208-3C>T (NM_080679.3); c.3271-3C>T (NM_080681.3).
Identifiers: ClinVar variation 227269 (VCV000227269.14), dbSNP rs753183777, ClinGen allele CA3750464.
Genomic context (GRCh38, chr6:33,170,382, plus strand): 5'-TCACATCAGCGCCATTGGGTCCAGCTGGACCTCGAGGTCCTGGGGGGCCAGGTGGTCCCT[G>A]GGGGAAACAGATACACCACAGATGAGGAAGGGAAGTGAGATGGCTGAGCATGAATGGTGG-3'